The following is an entry in ClinVar:

ClinVar aggregate classification (germline): Likely pathogenic (1 of 4 stars; one submission).

Conditions:
Congenital microcephaly - severe encephalopathy - progressive cerebral atrophy syndrome. Also called: ASNS DEFICIENCY; Asparagine synthetase deficiency. Identifiers: Orphanet 391376, MedGen C3809971, MONDO:0014258, OMIM 615574.

Submission:

Natera, Inc.
Classification: Likely pathogenic for Asparagine synthetase deficiency. Last evaluated: 2025-03-20. Review status: criteria provided, single submitter. Criteria: Natera Variant Classification Schema (03/2026). Collection method: clinical testing. Allele origin: germline.
Comment: The c.315T>G variant in ASNS is a nonsense variant predicted to introduce a stop codon at amino acid 105. This variant is expected to result in nonsense mediated decay, truncation, or a dysfunctional protein product. This variant is rare in the general population with a frequency below the threshold expected for the associated phenotype(s). Given the available evidence, this variant is classified as Likely Pathogenic.

NM_001673.5(ASNS):c.315T>G (p.Tyr105Ter)

Genes: ASNS (asparagine synthetase (glutamine-hydrolyzing); minus strand), CZ1P-ASNS (CZ1P-ASNS readthrough; minus strand). Cytogenetic location: 7q21.3.
Variant type: single nucleotide variant.
Coding change: c.315T>G on transcript NM_001673.5 (MANE Select); coding-DNA position 315, T replaced by G.
Protein change: p.Tyr105Ter; replaces tyrosine 105 with a stop codon.
Molecular consequence: nonsense. On other transcripts: non-coding transcript variant (1).
Genome position (GRCh38, 1-based): chr7:97,864,431, A>C on the plus strand (T>G on the coding strand, the complement: ASNS is on the minus strand). VCF-style: chr7-97864431-A-C. GRCh37 (hg19) VCF-style: chr7-97493743-A-C.
Other names: c.252T>G, p.Tyr84Ter (NM_001178075.2); c.66T>G, p.Tyr22Ter (NM_001178076.2, NM_001178077.1); c.315T>G, p.Tyr105Ter (NM_001352496.2, NM_133436.3, NM_183356.4); short protein forms Y105*, Y22*, Y84*.
Identifiers: ClinVar variation 4061880 (VCV004061880.2).